The following is an entry in ClinVar:

NM_006361.6(HOXB13):c.758C>G (p.Thr253Ser)

Gene: HOXB13 (homeobox B13; minus strand). Cytogenetic location: 17q21.32.
Variant type: single nucleotide variant.
Coding change: c.758C>G on transcript NM_006361.6 (MANE Select); coding-DNA position 758, C replaced by G.
Protein change: p.Thr253Ser; replaces threonine 253 with serine.
Molecular consequence: missense variant.
Genome position (GRCh38, 1-based): chr17:48,726,887, G>C on the plus strand (C>G on the coding strand, the complement: HOXB13 is on the minus strand). VCF-style: chr17-48726887-G-C. GRCh37 (hg19) VCF-style: chr17-46804249-G-C.
Other names: short protein forms T253S.
Identifiers: ClinVar variation 1430895 (VCV001430895.10), dbSNP rs949512119, ClinGen allele CA291348967.
Genomic context (GRCh38, chr17:48,726,887, plus strand): 5'-TTCTTCTCTTTGACCCGGCGGTTCTGAAACCAGATGGTAATCTGGCGCTCCGAGAGGCTG[G>C]TGGCTGCCGAGATCTTGCGCCTCTTGTCCTTGGTGATGAACTTGTTAGCCGCATACTCCC-3'
Protein context (NP_006352.2, residues 243-263): KDKRRKISAA[Thr253Ser]SLSERQITIW

ClinVar aggregate classification (germline): Uncertain significance. Review status: criteria provided, multiple submitters, no conflicts (2 of 4 stars). 2 submissions from 2 submitters: Uncertain significance (2). Last evaluated 2025-03-27.

Conditions:
Hereditary cancer-predisposing syndrome. Also called: Hereditary Cancer Syndrome; Hereditary neoplastic syndrome; Neoplastic Syndromes, Hereditary; Tumor predisposition. Identifiers: Orphanet 140162, MedGen C0027672, MeSH D009386, MONDO:0015356.

Submissions (2):

Ambry Genetics
Classification: Uncertain significance for Hereditary cancer-predisposing syndrome. Last evaluated: 2025-03-27. Review status: criteria provided, single submitter. Criteria: Ambry Variant Classification Scheme 2023. Collection method: clinical testing. Allele origin: germline.
Comment: The p.T253S variant (also known as c.758C>G), located in coding exon 2 of the HOXB13 gene, results from a C to G substitution at nucleotide position 758. The threonine at codon 253 is replaced by serine, an amino acid with similar properties. This amino acid position is highly conserved in available vertebrate species. In addition, this alteration is predicted to be deleterious by in silico analysis. Since supporting evidence is limited at this time, the clinical significance of this alteration remains unclear.

Labcorp Genetics (formerly Invitae), Labcorp
Classification: Uncertain significance. Last evaluated: 2024-11-24. Review status: criteria provided, single submitter. Criteria: Invitae Variant Classification Sherloc (09022015). Collection method: clinical testing. Allele origin: germline.
Comment: This sequence change replaces threonine, which is neutral and polar, with serine, which is neutral and polar, at codon 253 of the HOXB13 protein (p.Thr253Ser). This variant is not present in population databases (gnomAD no frequency). This variant has not been reported in the literature in individuals affected with HOXB13-related conditions. ClinVar contains an entry for this variant (Variation ID: 1430895). Invitae Evidence Modeling of protein sequence and biophysical properties (such as structural, functional, and spatial information, amino acid conservation, physicochemical variation, residue mobility, and thermodynamic stability) indicates that this missense variant is expected to disrupt HOXB13 protein function with a positive predictive value of 80%. In summary, the available evidence is currently insufficient to determine the role of this variant in disease. Therefore, it has been classified as a Variant of Uncertain Significance.